The following is an entry in ClinVar:

NM_001377.3(DYNC2H1):c.6336G>T (p.Met2112Ile)

Gene: DYNC2H1 (dynein cytoplasmic 2 heavy chain 1; plus strand). Cytogenetic location: 11q22.3.
Variant type: single nucleotide variant.
Coding change: c.6336G>T on transcript NM_001377.3 (MANE Select); coding-DNA position 6336, G replaced by T.
Protein change: p.Met2112Ile; replaces methionine 2112 with isoleucine.
Molecular consequence: missense variant.
Genome position (GRCh38, 1-based): chr11:103,179,222, G>T. VCF-style: chr11-103179222-G-T. GRCh37 (hg19) VCF-style: chr11-103049951-G-T.
Other names: c.6336G>T (NM_001080463.1); c.6336G>T, p.Met2112Ile (NM_001080463.2); short protein forms M2112I.
Identifiers: ClinVar variation 1986091 (VCV001986091.2), dbSNP rs766437866, ClinGen allele CA6253950.

ClinVar aggregate classification (germline): Uncertain significance. Review status: criteria provided, multiple submitters, no conflicts (2 of 4 stars). 2 submissions from 2 submitters: Uncertain significance (2). Last evaluated 2023-12-13.

Conditions:
Inborn genetic diseases. Identifiers: MedGen C0950123, MeSH D030342.
Jeune thoracic dystrophy. Also called: Jeune syndrome; Infantile thoracic dystrophy; Thoracic pelvic phalangeal dystrophy; Jeune's syndrome; Chondroectodermal dysplasia-like syndrome; Short-rib thoracic dysplasia. Identifiers: Orphanet 474, MedGen C0265275, MONDO:0018770.

Allele frequency attached by ClinVar (database versions not stated): gnomAD 0.00001; gnomAD exomes 0.00001; TOPMed 0.00001; ExAC 0.00002; 1000 Genomes Project 30x 0.00031.
gnomAD v4.1: 10 of 1,612,664 alleles (0.00062%); highest among the groups gnomAD compares: East Asian, 0.022%; no homozygotes.

Submissions (2):

Ambry Genetics
Classification: Uncertain significance for Inborn genetic diseases. Last evaluated: 2023-12-13. Review status: criteria provided, single submitter. Criteria: Ambry Variant Classification Scheme 2023. Collection method: clinical testing. Allele origin: germline.

Labcorp Genetics (formerly Invitae), Labcorp
Classification: Uncertain significance for Jeune thoracic dystrophy. Last evaluated: 2022-02-11. Review status: criteria provided, single submitter. Criteria: Invitae Variant Classification Sherloc (09022015). Collection method: clinical testing. Allele origin: germline.
Comment: This sequence change replaces methionine, which is neutral and non-polar, with isoleucine, which is neutral and non-polar, at codon 2112 of the DYNC2H1 protein (p.Met2112Ile). This variant is present in population databases (rs766437866, gnomAD 0.05%). This variant has not been reported in the literature in individuals affected with DYNC2H1-related conditions. Advanced modeling of protein sequence and biophysical properties (such as structural, functional, and spatial information, amino acid conservation, physicochemical variation, residue mobility, and thermodynamic stability) performed at Invitae indicates that this missense variant is not expected to disrupt DYNC2H1 protein function. In summary, the available evidence is currently insufficient to determine the role of this variant in disease. Therefore, it has been classified as a Variant of Uncertain Significance.